The following is an entry in ClinVar:

NM_005085.4(NUP214):c.410G>A (p.Arg137His)

Gene: NUP214 (nucleoporin 214; plus strand). Cytogenetic location: 9q34.13.
Variant type: single nucleotide variant.
Coding change: c.410G>A on transcript NM_005085.4 (MANE Select); coding-DNA position 410, G replaced by A.
Protein change: p.Arg137His; replaces arginine 137 with histidine.
Molecular consequence: missense variant.
Genome position (GRCh38, 1-based): chr9:131,129,295, G>A. VCF-style: chr9-131129295-G-A. GRCh37 (hg19) VCF-style: chr9-134004682-G-A.
Other names: c.410G>A, p.Arg137His (NM_001318324.2); short protein forms R137H.
Identifiers: ClinVar variation 4861252 (VCV004861252.1).

ClinVar aggregate classification (germline): Uncertain significance (1 of 4 stars; one submission).

gnomAD v4.1: 7 of 1,613,872 alleles (0.00043%); highest among the groups gnomAD compares: South Asian, 0.0033%; no homozygotes.

Submission:

Ambry Genetics
Classification: Uncertain significance. Last evaluated: 2026-05-11. Review status: criteria provided, single submitter. Criteria: Ambry Variant Classification Scheme 2023. Collection method: clinical testing. Allele origin: germline.
Comment: The c.410G>A (p.R137H) alteration is located in exon 4 (coding exon 4) of the NUP214 gene. This alteration results from a G to A substitution at nucleotide position 410, causing the arginine (R) at amino acid position 137 to be replaced by a histidine (H). Based on data from gnomAD, the A allele has an overall frequency of <0.001% (1/251396) total alleles studied. The highest observed frequency was 0.003% (1/30602) of South Asian alleles. Based on insufficient or conflicting evidence, the clinical significance of this alteration remains unclear.